The following is an entry in ClinVar:

NM_004385.5(VCAN):c.2092A>G (p.Thr698Ala)

Gene: VCAN (versican; plus strand). Cytogenetic location: 5q14.3.
Variant type: single nucleotide variant.
Coding change: c.2092A>G on transcript NM_004385.5 (MANE Select); coding-DNA position 2092, A replaced by G.
Protein change: p.Thr698Ala; replaces threonine 698 with alanine.
Molecular consequence: missense variant. On other transcripts: intron variant (2).
Genome position (GRCh38, 1-based): chr5:83,520,398, A>G. VCF-style: chr5-83520398-A-G. GRCh37 (hg19) VCF-style: chr5-82816217-A-G.
Other names: c.2092A>G, p.Thr698Ala (NM_001164098.2); c.1042+8002A>G (NM_001164097.2, NM_001126336.3); c.2092A>G (NM_004385.4); short protein forms T698A.
Identifiers: ClinVar variation 1364267 (VCV001364267.9), dbSNP rs746054312, ClinGen allele CA3332782.

ClinVar aggregate classification (germline): Uncertain significance. Review status: criteria provided, multiple submitters, no conflicts (2 of 4 stars). 2 submissions from 2 submitters: Uncertain significance (2). Last evaluated 2025-01-07.

Conditions:
Inborn genetic diseases. Identifiers: MedGen C0950123, MeSH D030342.

Allele frequency attached by ClinVar (database versions not stated): TOPMed below 0.00001; ExAC 0.00001; gnomAD 0.00001; gnomAD exomes 0.00001 and 0.00002.
gnomAD v4.1: 18 of 1,613,376 alleles (0.0011%); highest among the groups gnomAD compares: East Asian, 0.027%; no homozygotes.

Submissions (2):

Ambry Genetics
Classification: Uncertain significance for Inborn genetic diseases. Last evaluated: 2025-01-07. Review status: criteria provided, single submitter. Criteria: Ambry Variant Classification Scheme 2023. Collection method: clinical testing. Allele origin: germline.

Labcorp Genetics (formerly Invitae), Labcorp
Classification: Uncertain significance. Last evaluated: 2021-01-12. Review status: criteria provided, single submitter. Criteria: Invitae Variant Classification Sherloc (09022015). Collection method: clinical testing. Allele origin: germline.
Comment: Algorithms developed to predict the effect of missense changes on protein structure and function output the following: SIFT: "Tolerated"; PolyPhen-2: "Benign"; Align-GVGD: "Class C0". The alanine amino acid residue is found in multiple mammalian species, suggesting that this missense change does not adversely affect protein function. These predictions have not been confirmed by published functional studies and their clinical significance is uncertain. This variant has not been reported in the literature in individuals with VCAN-related conditions. This variant is present in population databases (rs746054312, ExAC 0.01%). This sequence change replaces threonine with alanine at codon 698 of the VCAN protein (p.Thr698Ala). The threonine residue is moderately conserved and there is a small physicochemical difference between threonine and alanine. In summary, the available evidence is currently insufficient to determine the role of this variant in disease. Therefore, it has been classified as a Variant of Uncertain Significance.